The following is an entry in ClinVar:

ClinVar aggregate classification (germline): Pathogenic (1 of 4 stars; one submission).

Conditions:
Neuroocular syndrome 1 (NOC1). Identifiers: Orphanet 659904, MedGen C5925133, MONDO:0971007, OMIM 619539.

Submission:

Victorian Clinical Genetics Services, Murdoch Childrens Research Institute
Classification: Pathogenic for Neuroocular syndrome 1. Last evaluated: 2025-09-29. Review status: criteria provided, single submitter. Criteria: ACMG Guidelines, 2015. Collection method: clinical testing. Allele origin: germline. Affected: yes.
Comment: This variant is classified as Pathogenic. Evidence in support of pathogenic classification: Variant is predicted to cause nonsense-mediated decay (NMD) and loss of protein (premature termination codon is located at least 54 nucleotides upstream of the final exon-exon junction); Variant is absent from gnomAD (v2, v3 and v4); Other NMD-predicted variants comparable to the one identified in this case have very strong previous evidence for pathogenicity (DECIPHER); Additional information: This variant is heterozygous; This gene is associated with autosomal dominant disease; Loss of function is a known mechanism of disease in this gene and is associated with neuroocular syndrome (MIM#619539).

NM_020719.3(PRR12):c.3242dup (p.Arg1082fs)

Gene: PRR12 (proline rich 12; plus strand). Cytogenetic location: 19q13.33.
Variant type: Duplication.
Coding change: c.3242dup on transcript NM_020719.3 (MANE Select); coding-DNA position 3242, one base duplicated (T; older notation c.3242dupT).
Protein change: p.Arg1082fs; shifts the reading frame from arginine 1082.
Molecular consequence: frameshift variant.
Genome position (GRCh38, 1-based): chr19:49,597,577, T duplicated. VCF-style (leftmost placement, unchanged base first): chr19-49597576-C-CT. GRCh37 (hg19) VCF-style: chr19-50100833-C-CT.
Other names: short protein forms R1082fs.
Identifiers: ClinVar variation 4531734 (VCV004531734.1).